The following is an entry in ClinVar:

NM_001035.3(RYR2):c.2433C>G (p.Phe811Leu)

Gene: RYR2 (ryanodine receptor 2; plus strand). Cytogenetic location: 1q43.
Variant type: single nucleotide variant.
Coding change: c.2433C>G on transcript NM_001035.3 (MANE Select); coding-DNA position 2433, C replaced by G.
Protein change: p.Phe811Leu; replaces phenylalanine 811 with leucine.
Molecular consequence: missense variant.
Genome position (GRCh38, 1-based): chr1:237,503,325, C>G. VCF-style: chr1-237503325-C-G. GRCh37 (hg19) VCF-style: chr1-237666625-C-G.
Other names: short protein forms F811L.
Identifiers: ClinVar variation 2691492 (VCV002691492.1), dbSNP rs2545890064, ClinGen allele CA345378738.

ClinVar aggregate classification (germline): Uncertain significance (1 of 4 stars; one submission).

Allele frequency attached by ClinVar (database versions not stated): gnomAD exomes below 0.00001.
gnomAD v4.1: 2 of 1,613,284 alleles (0.00012%); highest among the groups gnomAD compares: Non-Finnish European, 0.00017%; no homozygotes.

Submission:

Women's Health and Genetics/Laboratory Corporation of America, LabCorp
Classification: Uncertain significance. Last evaluated: 2023-12-01. Review status: criteria provided, single submitter. Criteria: LabCorp Variant Classification Summary - May 2015. Collection method: clinical testing. Allele origin: germline.
Comment: Variant summary: RYR2 c.2433C>G (p.Phe811Leu) results in a non-conservative amino acid change in the encoded protein sequence. Three of five in-silico tools predict a damaging effect of the variant on protein function. The variant was absent in 248036 control chromosomes. The available data on variant occurrences in the general population are insufficient to allow any conclusion about variant significance. To our knowledge, no occurrence of c.2433C>G in individuals affected with Catecholaminergic Polymorphic Ventricular Tachycardia and no experimental evidence demonstrating its impact on protein function have been reported. No submitters have cited clinical-significance assessments for this variant to ClinVar after 2014. Based on the evidence outlined above, the variant was classified as uncertain significance.